The following is an entry in ClinVar:

ClinVar aggregate classification (germline): Likely benign. Review status: criteria provided, single submitter (1 of 4 stars). 2 submissions from 2 submitters: Likely benign (1). 1 of the submissions does not count toward it. Last evaluated 2023-10-14.

Conditions:
COL17A1-related disorder. Also called: COL17A1-related condition.

Allele frequency attached by ClinVar (database versions not stated): ExAC 0.00001; gnomAD 0.00001; TOPMed 0.00003.
gnomAD v4.1: 5 of 1,610,382 alleles (0.00031%); highest among the groups gnomAD compares: African/African-American, 0.0067%; no homozygotes.

Submissions (2):

Labcorp Genetics (formerly Invitae), Labcorp
Classification: Likely benign. Last evaluated: 2023-10-14. Review status: criteria provided, single submitter. Criteria: Invitae Variant Classification Sherloc (09022015). Collection method: clinical testing. Allele origin: germline.

PreventionGenetics, part of Exact Sciences
Classification: Likely benign for COL17A1-related condition. Last evaluated: 2024-07-01. Review status: no assertion criteria provided. Collection method: clinical testing. Allele origin: germline. Not counted in ClinVar's aggregate classification.
Comment: This variant is classified as likely benign based on ACMG/AMP sequence variant interpretation guidelines (Richards et al. 2015 PMID: 25741868, with internal and published modifications).

NM_000494.4(COL17A1):c.2606-9C>A

Gene: COL17A1 (collagen type XVII alpha 1 chain; minus strand). Cytogenetic location: 10q25.1.
Variant type: single nucleotide variant.
Coding change: c.2606-9C>A on transcript NM_000494.4 (MANE Select); 9 bases into the intron before coding-DNA position 2606, C replaced by A.
Molecular consequence: intron variant.
Genome position (GRCh38, 1-based): chr10:104,041,353, G>T on the plus strand (C>A on the coding strand, the complement: COL17A1 is on the minus strand). VCF-style: chr10-104041353-G-T. GRCh37 (hg19) VCF-style: chr10-105801111-G-T.
Other names: c.2606-9C>A (NM_000494.3).
Identifiers: ClinVar variation 2988923 (VCV002988923.4), dbSNP rs769165030, ClinGen allele CA5678363.